The following is an entry in ClinVar:

ClinVar aggregate classification (germline): Pathogenic (1 of 4 stars; one submission).

Conditions:
Myofibrillar myopathy 4. Also called: Zaspopathy (type). Identifiers: Orphanet 98912, MedGen C4721886, MONDO:0012277, OMIM 609452.

Submission:

Labcorp Genetics (formerly Invitae), Labcorp
Classification: Pathogenic for Myofibrillar myopathy 4. Last evaluated: 2024-04-17. Review status: criteria provided, single submitter. Criteria: Invitae Variant Classification Sherloc (09022015). Collection method: clinical testing. Allele origin: germline.
Comment: The LDB3 gene has multiple clinically relevant transcripts. This variant occurs in alternate transcript NM_007078.3, and corresponds to NM_001080116.1:c.289dup in the primary transcript. This sequence change creates a premature translational stop signal (p.Gln97Profs*29) in the LDB3 gene. It is expected to result in an absent or disrupted protein product in both transcripts. However, loss-of-function variants in LDB3 are only known to be pathogenic in the alternate transcript (PMID: 36253531). This variant is not present in population databases (gnomAD no frequency). This variant has not been reported in the literature in individuals affected with LDB3-related conditions. ClinVar contains an entry for this variant (Variation ID: 1430730). For these reasons, this variant has been classified as Pathogenic.

Literature cited by the submitters: PubMed 36253531.

NM_007078.3(LDB3):c.289dup (p.Gln97fs)

Gene: LDB3 (LIM domain binding 3; plus strand). Cytogenetic location: 10q23.2.
Variant type: Duplication.
Coding change: c.289dup on transcript NM_007078.3 (MANE Select); coding-DNA position 289, one base duplicated (C; older notation c.289dupC).
Protein change: p.Gln97fs; shifts the reading frame from glutamine 97.
Molecular consequence: frameshift variant.
Genome position (GRCh38, 1-based): chr10:86,680,125, C duplicated; the last of 2 consecutive C bases (chr10:86,680,124-86,680,125); duplicating either gives the same sequence. VCF-style (leftmost placement, unchanged base first): chr10-86680123-T-TC. GRCh37 (hg19) VCF-style: chr10-88439880-T-TC.
Other names: c.289dup, p.Gln97fs (NM_001080114.2, NM_001080115.2, NM_001080116.1 and 8 more transcripts); short protein forms Q97fs.
Identifiers: ClinVar variation 1430730 (VCV001430730.6), dbSNP rs2132363722, ClinGen allele CA2573145660.